The following is an entry in ClinVar:

ClinVar aggregate classification (germline): Uncertain significance (1 of 4 stars; one submission).

Submission:

Ambry Genetics
Classification: Uncertain significance. Last evaluated: 2022-12-12. Review status: criteria provided, single submitter. Criteria: Ambry Variant Classification Scheme 2023. Collection method: clinical testing. Allele origin: germline.
Comment: The p.M384R variant (also known as c.1151T>G), located in coding exon 12 of the PRKDC gene, results from a T to G substitution at nucleotide position 1151. The methionine at codon 384 is replaced by arginine, an amino acid with similar properties. This amino acid position is conserved. In addition, this alteration is predicted to be deleterious by in silico analysis. Since supporting evidence is limited at this time, the clinical significance of this alteration remains unclear.

NM_006904.7(PRKDC):c.1151T>G (p.Met384Arg)

Gene: PRKDC (protein kinase, DNA-activated, catalytic subunit; minus strand). Cytogenetic location: 8q11.21.
Variant type: single nucleotide variant.
Coding change: c.1151T>G on transcript NM_006904.7 (MANE Select); coding-DNA position 1151, T replaced by G.
Protein change: p.Met384Arg; replaces methionine 384 with arginine.
Molecular consequence: missense variant.
Genome position (GRCh38, 1-based): chr8:47,936,480, A>C on the plus strand (T>G on the coding strand, the complement: PRKDC is on the minus strand). VCF-style: chr8-47936480-A-C. GRCh37 (hg19) VCF-style: chr8-48849040-A-C.
Other names: c.1151T>G, p.Met384Arg (NM_001081640.2); short protein forms M384R.
Identifiers: ClinVar variation 2449838 (VCV002449838.2), dbSNP rs375391499, ClinGen allele CA371166320.